The following is an entry in ClinVar:

NM_014264.5(PLK4):c.1992C>G (p.Pro664=)

Gene: PLK4 (polo like kinase 4; plus strand). Cytogenetic location: 4q28.1.
Variant type: single nucleotide variant.
Coding change: c.1992C>G on transcript NM_014264.5 (MANE Select); coding-DNA position 1992, C replaced by G.
Protein change: p.Pro664=; no amino-acid change (proline 664 retained).
Molecular consequence: synonymous variant.
Genome position (GRCh38, 1-based): chr4:127,891,635, C>G. VCF-style: chr4-127891635-C-G. GRCh37 (hg19) VCF-style: chr4-128812790-C-G.
Other names: c.1896C>G, p.Pro632= (NM_001190799.2); c.1869C>G, p.Pro623= (NM_001190801.2).
Identifiers: ClinVar variation 715977 (VCV000715977.10), dbSNP rs147573335, ClinGen allele CA3076918.

ClinVar aggregate classification (germline): Likely benign. Review status: criteria provided, multiple submitters, no conflicts (2 of 4 stars). 3 submissions from 3 submitters: Likely benign (2). 1 of the submissions does not count toward it. Last evaluated 2026-01-12.

Conditions:
PLK4-related disorder. Also called: PLK4-related condition.

Allele frequency attached by ClinVar (database versions not stated): gnomAD 0.00002; ExAC 0.00005; ESP Exome Variant Server 0.00008; TOPMed 0.00009.
gnomAD v4.1: 102 of 1,553,024 alleles (0.0066%); highest among the groups gnomAD compares: Admixed American, 0.031%; no homozygotes.

Submissions (3):

Labcorp Genetics (formerly Invitae), Labcorp
Classification: Likely benign. Last evaluated: 2026-01-12. Review status: criteria provided, single submitter. Criteria: Invitae Variant Classification Sherloc (09022015). Collection method: clinical testing. Allele origin: germline.

Blueprint Genetics
Classification: Likely benign. Last evaluated: 2024-11-06. Review status: criteria provided, single submitter. Criteria: ACMG Guidelines, 2015. Collection method: clinical testing. Allele origin: germline.

PreventionGenetics, part of Exact Sciences
Classification: Likely benign for PLK4-related condition. Last evaluated: 2019-07-16. Review status: no assertion criteria provided. Collection method: clinical testing. Allele origin: germline. Not counted in ClinVar's aggregate classification.
Comment: This variant is classified as likely benign based on ACMG/AMP sequence variant interpretation guidelines (Richards et al. 2015 PMID: 25741868, with internal and published modifications).